The following is an entry in ClinVar:

ClinVar aggregate classification (germline): Likely pathogenic (1 of 4 stars; one submission).

Submission:

Labcorp Genetics (formerly Invitae), Labcorp
Classification: Likely pathogenic. Last evaluated: 2023-03-18. Review status: criteria provided, single submitter. Criteria: Invitae Variant Classification Sherloc (09022015). Collection method: clinical testing. Allele origin: germline.
Comment: This sequence change affects a donor splice site in intron 6 of the DGAT1 gene. It is expected to disrupt RNA splicing. Variants that disrupt the donor or acceptor splice site typically lead to a loss of protein function (PMID: 16199547), and loss-of-function variants in DGAT1 are known to be pathogenic (PMID: 29604290). This variant is not present in population databases (gnomAD no frequency). This variant has not been reported in the literature in individuals affected with DGAT1-related conditions. Algorithms developed to predict the effect of sequence changes on RNA splicing suggest that this variant may disrupt the consensus splice site. In summary, the currently available evidence indicates that the variant is pathogenic, but additional data are needed to prove that conclusively. Therefore, this variant has been classified as Likely Pathogenic.

Literature cited by the submitters: PubMed 16199547; PubMed 29604290.

NM_012079.6(DGAT1):c.574+1G>A

Gene: DGAT1 (diacylglycerol O-acyltransferase 1; minus strand). Cytogenetic location: 8q24.3.
Variant type: single nucleotide variant.
Coding change: c.574+1G>A on transcript NM_012079.6 (MANE Select); the canonical splice donor site of the intron after coding-DNA position 574, G replaced by A.
Molecular consequence: splice donor variant.
Genome position (GRCh38, 1-based): chr8:144,318,460, C>T on the plus strand (G>A on the coding strand, the complement: DGAT1 is on the minus strand). VCF-style: chr8-144318460-C-T. GRCh37 (hg19) VCF-style: chr8-145542123-C-T.
Identifiers: ClinVar variation 2915916 (VCV002915916.3), dbSNP rs1554847618, ClinGen allele CA372612315.